The following is an entry in ClinVar:

ClinVar aggregate classification (germline): Pathogenic. Review status: criteria provided, multiple submitters, no conflicts (2 of 4 stars). 3 submissions from 3 submitters: Pathogenic (3). Last evaluated 2022-03-12.

Conditions:
RPGR-related disorder. Also called: RPGR-related condition.
Retinitis pigmentosa 3. Also called: CHOROIDORETINAL DEGENERATION WITH RETINAL REFLEX IN HETEROZYGOUS WOMEN. Identifiers: Orphanet 791, MedGen C1845667, MONDO:0010227, OMIM 300029.
Primary ciliary dyskinesia. Also called: Ciliary dyskinesia. Identifiers: Orphanet 244, MedGen C0008780, MONDO:0016575, HP:0012265.

Submissions (3):

Labcorp Genetics (formerly Invitae), Labcorp
Classification: Pathogenic for Primary ciliary dyskinesia. Last evaluated: 2022-03-12. Review status: criteria provided, single submitter. Criteria: Invitae Variant Classification Sherloc (09022015). Collection method: clinical testing. Allele origin: germline.
Comment: This variant disrupts a region of the RPGR (ORF15) protein in which other variant(s) (p.Leu1130Lysfs*13) have been determined to be pathogenic (PMID: 22264887; Invitae). This suggests that this is a clinically significant region of the protein, and that variants that disrupt it are likely to be disease-causing. For these reasons, this variant has been classified as Pathogenic. This variant is also known as g.ORF15+1344delG. This premature translational stop signal has been observed in individual(s) with retinitis pigmentosa (PMID: 10932196). This variant is not present in population databases (gnomAD no frequency). This sequence change creates a premature translational stop signal (p.Glu1033Lysfs*56) in the RPGR (ORF15) gene. While this is not anticipated to result in nonsense mediated decay, it is expected to disrupt the last 120 amino acid(s) of the RPGR (ORF15) protein.

Victorian Clinical Genetics Services, Murdoch Childrens Research Institute
Classification: Pathogenic for Retinitis pigmentosa 3. Last evaluated: 2020-06-11. Review status: criteria provided, single submitter. Criteria: ACMG Guidelines, 2015. Collection method: clinical testing. Allele origin: germline.
Comment: Based on the classification scheme VCGS_Germline_v1.1.1, this variant is classified as Pathogenic. Following criteria are met: 0103 - Loss-of-function is a known mechanism of disease for this gene. Gain-of-function has also been suggested as a mechanism for truncating variants in ORF15 (PMID: 14691151; PMID: 27995965). (N) 0109 - This gene is known to be associated with X-linked recessive disease. This gene is predominantly associated with X-linked recessive disease, however dominant inheritance patterns have also been reported for some variants (OMIM, PMID: 23372056). X-inactivation was associated with variable severity in females (PMID: 31953110). (N) 0205 - Variant is predicted to result in a truncated protein with less than 1/3 of the protein affected (exon 15 of 15). Exon 15 is also known as ORF15 in the NM_001034853.1 transcript (PMID: 30193314). (P) 0253 - Variant is hemizygous. (N) 0301 - Variant is absent from gnomAD. (P) 0701 - Comparable variants have very strong previous evidence for pathogenicity. Other variants located dowsntream and predicted to cause a truncated protein have been reported as pathogenic in individuals with retinal dystrophy (ClinVar; PMID: 23681342; 23372056, 27620828). (P) 0803 - Low previous evidence of pathogenicity in unrelated individuals. This variant has been previously reported in patients with retinitis pigmentosa (PMID: 17195164; 10932196). (N) Legend: (P) - Pathogenic, (N) - Neutral, (B) - Benign

Blueprint Genetics
Classification: Pathogenic for RPGR-related disorders. Last evaluated: 2019-11-27. Review status: criteria provided, single submitter. Criteria: ACMG Guidelines, 2015. Collection method: clinical testing. Allele origin: germline. Affected: yes. Observed: 2 variant alleles.

Literature cited by the submitters: PubMed 22264887 (cited by Labcorp Genetics (formerly Invitae), Labcorp); PubMed 10932196 (cited by Labcorp Genetics (formerly Invitae), Labcorp and Victorian Clinical Genetics Services, Murdoch Childrens Research Institute); PubMed 14691151 (cited by Victorian Clinical Genetics Services, Murdoch Childrens Research Institute); PubMed 17195164 (cited by Victorian Clinical Genetics Services, Murdoch Childrens Research Institute); PubMed 23372056 (cited by Victorian Clinical Genetics Services, Murdoch Childrens Research Institute); PubMed 23681342 (cited by Victorian Clinical Genetics Services, Murdoch Childrens Research Institute); PubMed 27620828 (cited by Victorian Clinical Genetics Services, Murdoch Childrens Research Institute); PubMed 27995965 (cited by Victorian Clinical Genetics Services, Murdoch Childrens Research Institute); PubMed 30193314 (cited by Victorian Clinical Genetics Services, Murdoch Childrens Research Institute); PubMed 31953110 (cited by Victorian Clinical Genetics Services, Murdoch Childrens Research Institute).

NM_001034853.2(RPGR):c.3097del (p.Glu1033fs)

Gene: RPGR (retinitis pigmentosa GTPase regulator; minus strand). Cytogenetic location: Xp11.4.
Variant type: Deletion.
Coding change: c.3097del on transcript NM_001034853.2 (MANE Select); coding-DNA position 3097, one base deleted (G; older notation c.3097delG).
Protein change: p.Glu1033fs; shifts the reading frame from glutamic acid 1033.
Molecular consequence: frameshift variant. On other transcripts: intron variant (8).
Genome position (GRCh38, 1-based): chrX:38,285,902, C deleted on the plus strand (G on the coding strand, the reverse complement: RPGR is on the minus strand); the first of 5 consecutive C bases (chrX:38,285,902-38,285,906); deleting any one gives the same sequence. VCF-style (leftmost placement, unchanged base first): chrX-38285901-TC-T. GRCh37 (hg19) VCF-style: chrX-38145154-TC-T.
Other names: c.1569+5057del (NM_001367249.1, NM_001367250.1); c.1902+1192del (NM_001367245.1); c.1386+5057del (NM_001367251.1); c.1719+1192del (NM_001367246.1); c.1572+5057del (NM_001367247.1); c.1905+1192del (NM_000328.3); c.1602+5057del (NM_001367248.1); c.3097delG (NM_001034853.1); short protein forms E1033fs.
Identifiers: ClinVar variation 2138529 (VCV002138529.6), dbSNP rs606231180, ClinGen allele CA923726206.